The following is an entry in ClinVar:

NM_001081.4(CUBN):c.9476del (p.Gly3159fs)

Gene: CUBN (cubilin; minus strand). Cytogenetic location: 10p13.
Variant type: Deletion.
Coding change: c.9476del on transcript NM_001081.4 (MANE Select); coding-DNA position 9476, one base deleted (G; older notation c.9476delG).
Protein change: p.Gly3159fs; shifts the reading frame from glycine 3159.
Molecular consequence: frameshift variant.
Genome position (GRCh38, 1-based): chr10:16,851,422, C deleted on the plus strand (G on the coding strand, the reverse complement: CUBN is on the minus strand); the first of 2 consecutive C bases (chr10:16,851,422-16,851,423); deleting either gives the same sequence. VCF-style (leftmost placement, unchanged base first): chr10-16851421-AC-A. GRCh37 (hg19) VCF-style: chr10-16893420-AC-A.
Other names: short protein forms G3159fs.
Identifiers: ClinVar variation 3650710 (VCV003650710.2).

ClinVar aggregate classification (germline): Pathogenic (1 of 4 stars; one submission).

Conditions:
Imerslund-Grasbeck syndrome. Also called: ENTEROCYTE COBALAMIN MALABSORPTION; ENTEROCYTE INTRINSIC FACTOR RECEPTOR, DEFECT OF; PERNICIOUS ANEMIA, JUVENILE, DUE TO SELECTIVE INTESTINAL MALABSORPTION OF VITAMIN B12, WITH PROTEINURIA; Imerslund-Gräsbeck syndrome; Megaloblastic anemia due to inborn errors of metabolism. Identifiers: Orphanet 35858, MedGen C4551825, MONDO:0009853.

Submission:

Labcorp Genetics (formerly Invitae), Labcorp
Classification: Pathogenic for Imerslund-Grasbeck syndrome. Last evaluated: 2024-04-24. Review status: criteria provided, single submitter. Criteria: Invitae Variant Classification Sherloc (09022015). Collection method: clinical testing. Allele origin: germline.
Comment: This sequence change creates a premature translational stop signal (p.Gly3159Valfs*3) in the CUBN gene. It is expected to result in an absent or disrupted protein product. Loss-of-function variants in CUBN are known to be pathogenic (PMID: 15024727, 22929189, 25349199, 31613795, 34979989). This variant is not present in population databases (gnomAD no frequency). This variant has not been reported in the literature in individuals affected with CUBN-related conditions. For these reasons, this variant has been classified as Pathogenic.

Literature cited by the submitters: PubMed 15024727; PubMed 22929189; PubMed 25349199; PubMed 31613795; PubMed 34979989.